The following is an entry in ClinVar:

ClinVar aggregate classification (germline): Uncertain significance (1 of 4 stars; one submission).

gnomAD v4.1: 7 of 1,545,766 alleles (0.00045%); highest among the groups gnomAD compares: Non-Finnish European, 0.00061%; no homozygotes.

Submission:

Labcorp Genetics (formerly Invitae), Labcorp
Classification: Uncertain significance. Last evaluated: 2024-06-23. Review status: criteria provided, single submitter. Criteria: Invitae Variant Classification Sherloc (09022015). Collection method: clinical testing. Allele origin: germline.
Comment: This sequence change replaces glycine, which is neutral and non-polar, with arginine, which is basic and polar, at codon 1348 of the DCHS1 protein (p.Gly1348Arg). This variant is not present in population databases (gnomAD no frequency). This variant has not been reported in the literature in individuals affected with DCHS1-related conditions. Advanced modeling of protein sequence and biophysical properties (such as structural, functional, and spatial information, amino acid conservation, physicochemical variation, residue mobility, and thermodynamic stability) has been performed at Invitae for this missense variant, however the output from this modeling did not meet the statistical confidence thresholds required to predict the impact of this variant on DCHS1 protein function. In summary, the available evidence is currently insufficient to determine the role of this variant in disease. Therefore, it has been classified as a Variant of Uncertain Significance.

NM_003737.4(DCHS1):c.4042G>C (p.Gly1348Arg)

Gene: DCHS1 (dachsous cadherin-related 1; minus strand). Cytogenetic location: 11p15.4.
Variant type: single nucleotide variant.
Coding change: c.4042G>C on transcript NM_003737.4 (MANE Select); coding-DNA position 4042, G replaced by C.
Protein change: p.Gly1348Arg; replaces glycine 1348 with arginine.
Molecular consequence: missense variant.
Genome position (GRCh38, 1-based): chr11:6,630,752, C>G on the plus strand (G>C on the coding strand, the complement: DCHS1 is on the minus strand). VCF-style: chr11-6630752-C-G. GRCh37 (hg19) VCF-style: chr11-6651983-C-G.
Other names: short protein forms G1348R.
Identifiers: ClinVar variation 3656874 (VCV003656874.2).